The following is an entry in ClinVar:

NM_177965.4(CFAP418):c.139G>C (p.Ala47Pro)

Genes: CFAP418 (cilia and flagella associated protein 418; minus strand), CFAP418-AS1 (CFAP418 antisense RNA 1; plus strand), LOC130000784 (ATAC-STARR-seq lymphoblastoid active region 27655; plus strand). Cytogenetic location: 8q22.1.
Variant type: single nucleotide variant.
Coding change: c.139G>C on transcript NM_177965.4 (MANE Select); coding-DNA position 139, G replaced by C.
Protein change: p.Ala47Pro; replaces alanine 47 with proline.
Molecular consequence: missense variant.
Genome position (GRCh38, 1-based): chr8:95,269,051, C>G on the plus strand (G>C on the coding strand, the complement: CFAP418 is on the minus strand). VCF-style: chr8-95269051-C-G. GRCh37 (hg19) VCF-style: chr8-96281279-C-G.
Other names: c.139G>C, p.Ala47Pro (NM_001363260.1); short protein forms A47P.
Identifiers: ClinVar variation 4702138 (VCV004702138.1).
Genomic context (GRCh38, chr8:95,269,051, plus strand): 5'-AGCAGGGCTTTACCAGAACAGTCCACCCCTCCCGCCCGGTTAACCTGAGCGTCTCTTTCG[C>G]CTTGGCTTGGTTCCGGTCGCTACTGTGGGTGCCGCCGCCGCAGCCTTTGGGCTGCTCGAC-3'
Protein context (NP_808880.1, residues 37-57): THSSDRNQAK[Ala47Pro]KETLRSTETF

ClinVar aggregate classification (germline): Uncertain significance (1 of 4 stars; one submission).

Submission:

Labcorp Genetics (formerly Invitae), Labcorp
Classification: Uncertain significance. Last evaluated: 2025-09-11. Review status: criteria provided, single submitter. Criteria: Invitae Variant Classification Sherloc (09022015). Collection method: clinical testing. Allele origin: germline.
Comment: This sequence change replaces alanine, which is neutral and non-polar, with proline, which is neutral and non-polar, at codon 47 of the C8orf37 protein (p.Ala47Pro). This variant is present in population databases (rs369850560, gnomAD 0.007%). This variant has not been reported in the literature in individuals affected with C8orf37-related conditions. An algorithm developed to predict the effect of missense changes on protein structure and function (PolyPhen-2) suggests that this variant is likely to be tolerated. In summary, the available evidence is currently insufficient to determine the role of this variant in disease. Therefore, it has been classified as a Variant of Uncertain Significance.